The following is an entry in ClinVar:

ClinVar aggregate classification (germline): Uncertain significance (1 of 4 stars; one submission).

Conditions:
Epileptic encephalopathy. Identifiers: MedGen C0543888, HP:0200134.

Submission:

Labcorp Genetics (formerly Invitae), Labcorp
Classification: Uncertain significance for Epileptic encephalopathy. Last evaluated: 2018-02-15. Review status: criteria provided, single submitter. Criteria: Invitae Variant Classification Sherloc (09022015). Collection method: clinical testing. Allele origin: germline.
Comment: This sequence change replaces phenylalanine with cysteine at codon 1212 of the RYR3 protein (p.Phe1212Cys). The phenylalanine residue is moderately conserved and there is a large physicochemical difference between phenylalanine and cysteine. This variant is not present in population databases (ExAC no frequency). This variant has not been reported in the literature in individuals with RYR3-related disease. Algorithms developed to predict the effect of missense changes on protein structure and function do not agree on the potential impact of this missense change (SIFT: "Deleterious"; PolyPhen-2: "Benign"; Align-GVGD: "Class C55"). In summary, the available evidence is currently insufficient to determine the role of this variant in disease. Therefore, it has been classified as a Variant of Uncertain Significance.

NM_001036.6(RYR3):c.3635T>G (p.Phe1212Cys)

Gene: RYR3 (ryanodine receptor 3; plus strand). Cytogenetic location: 15q14.
Variant type: single nucleotide variant.
Coding change: c.3635T>G on transcript NM_001036.6 (MANE Select); coding-DNA position 3635, T replaced by G.
Protein change: p.Phe1212Cys; replaces phenylalanine 1212 with cysteine.
Molecular consequence: missense variant.
Genome position (GRCh38, 1-based): chr15:33,644,389, T>G. VCF-style: chr15-33644389-T-G. GRCh37 (hg19) VCF-style: chr15-33936590-T-G.
Other names: c.3635T>G, p.Phe1212Cys (NM_001243996.4); short protein forms F1212C.
Identifiers: ClinVar variation 577749 (VCV000577749.8), dbSNP rs1566857785, ClinGen allele CA391576296.
Genomic context (GRCh38, chr15:33,644,389, plus strand): 5'-GTCTGGGTCTATCTCAGATCGGCCGCATGAATCTCGGGACAGATGCCAGTACCTTCAAGT[T>G]TTATACCATGTGCGGTCTCCAAGAGGGCTTTGAGCCTTTTGCTGTCAACATGAACAGAGA-3'
Protein context (NP_001027.3, residues 1202-1222): NLGTDASTFK[Phe1212Cys]YTMCGLQEGF